The following is an entry in ClinVar:

NM_001378454.1(ALMS1):c.4721del (p.Gly1574fs)

Gene: ALMS1 (ALMS1 centrosome and basal body associated protein; plus strand). Cytogenetic location: 2p13.1.
Variant type: Deletion.
Coding change: c.4721del on transcript NM_001378454.1 (MANE Select); coding-DNA position 4721, one base deleted (G; older notation c.4721delG).
Protein change: p.Gly1574fs; shifts the reading frame from glycine 1574.
Molecular consequence: frameshift variant.
Genome position (GRCh38, 1-based): chr2:73,451,248, G deleted; the last of 2 consecutive G bases (chr2:73,451,247-73,451,248); deleting either gives the same sequence. VCF-style (leftmost placement, unchanged base first): chr2-73451246-TG-T. GRCh37 (hg19) VCF-style: chr2-73678373-TG-T.
Other names: c.4724del, p.Gly1575fs (NM_015120.4); short protein forms G1574fs, G1575fs.
Identifiers: ClinVar variation 1073691 (VCV001073691.7), dbSNP rs2103783797, ClinGen allele CA2499216250.

ClinVar aggregate classification (germline): Pathogenic (1 of 4 stars; one submission).

Conditions:
Alstrom syndrome (ALMS). Identifiers: Orphanet 64, MedGen C0268425, MONDO:0008763, OMIM 203800.

Submission:

Labcorp Genetics (formerly Invitae), Labcorp
Classification: Pathogenic for Alstrom syndrome. Last evaluated: 2022-07-19. Review status: criteria provided, single submitter. Criteria: Invitae Variant Classification Sherloc (09022015). Collection method: clinical testing. Allele origin: germline.
Comment: This sequence change creates a premature translational stop signal (p.Gly1575Glufs*22) in the ALMS1 gene. It is expected to result in an absent or disrupted protein product. Loss-of-function variants in ALMS1 are known to be pathogenic (PMID: 17594715). For these reasons, this variant has been classified as Pathogenic. ClinVar contains an entry for this variant (Variation ID: 1073691). This variant has not been reported in the literature in individuals affected with ALMS1-related conditions. This variant is not present in population databases (gnomAD no frequency).

Literature cited by the submitters: PubMed 17594715.